The following is an entry in ClinVar:

NM_031229.4(RBCK1):c.71A>C (p.Glu24Ala)

Gene: RBCK1 (RANBP2-type and C3HC4-type zinc finger containing 1; plus strand). Cytogenetic location: 20p13.
Variant type: single nucleotide variant.
Coding change: c.71A>C on transcript NM_031229.4 (MANE Select); coding-DNA position 71, A replaced by C.
Protein change: p.Glu24Ala; replaces glutamic acid 24 with alanine.
Molecular consequence: missense variant. On other transcripts: 5 prime UTR variant (1), non-coding transcript variant (1), intron variant (2).
Genome position (GRCh38, 1-based): chr20:409,929, A>C. VCF-style: chr20-409929-A-C. GRCh37 (hg19) VCF-style: chr20-390573-A-C.
Other names: c.-279A>C (NM_001323956.2); c.71A>C, p.Glu24Ala (NM_001323960.2); c.41+1150A>C (NM_006462.6); c.-183+1150A>C (NM_001323958.2); short protein forms E24A.
Identifiers: ClinVar variation 998956 (VCV000998956.6), dbSNP rs773247812, ClinGen allele CA9722876.

ClinVar aggregate classification (germline): Uncertain significance (1 of 4 stars; one submission).

Conditions:
Polyglucosan body myopathy type 1 (PGBM1). Also called: Polyglucosan body myopathy 1 with or without immunodeficiency; POLYGLUCOSAN BODY MYOPATHY WITHOUT IMMUNODEFICIENCY. Identifiers: Orphanet 329173, Orphanet 397937, MedGen C4014605, MONDO:0014389, OMIM 615895.

Allele frequency attached by ClinVar (database versions not stated): gnomAD 0.00001; gnomAD exomes 0.00001 and 0.00002; TOPMed 0.00001; ExAC 0.00002.
gnomAD v4.1: 14 of 1,613,920 alleles (0.00087%); highest among the groups gnomAD compares: Middle Eastern, 0.049%; no homozygotes.

Submission:

Labcorp Genetics (formerly Invitae), Labcorp
Classification: Uncertain significance for Polyglucosan body myopathy type 1. Last evaluated: 2023-11-27. Review status: criteria provided, single submitter. Criteria: Invitae Variant Classification Sherloc (09022015). Collection method: clinical testing. Allele origin: germline.
Comment: This sequence change replaces glutamic acid, which is acidic and polar, with alanine, which is neutral and non-polar, at codon 24 of the RBCK1 protein (p.Glu24Ala). This variant is present in population databases (rs773247812, gnomAD 0.003%). This variant has not been reported in the literature in individuals affected with RBCK1-related conditions. ClinVar contains an entry for this variant (Variation ID: 998956). Advanced modeling of protein sequence and biophysical properties (such as structural, functional, and spatial information, amino acid conservation, physicochemical variation, residue mobility, and thermodynamic stability) performed at Invitae indicates that this missense variant is not expected to disrupt RBCK1 protein function with a negative predictive value of 80%. In summary, the available evidence is currently insufficient to determine the role of this variant in disease. Therefore, it has been classified as a Variant of Uncertain Significance.